The following is an entry in ClinVar:

ClinVar aggregate classification (germline): Conflicting classifications of pathogenicity. Review status: criteria provided, conflicting classifications (1 of 4 stars). 2 submissions from 2 submitters: Uncertain significance (1); Likely benign (1). Last evaluated 2023-05-11.

Conditions:
Primary ciliary dyskinesia. Also called: Ciliary dyskinesia. Identifiers: Orphanet 244, MedGen C0008780, MONDO:0016575, HP:0012265.

gnomAD v4.1: 4 of 1,613,964 alleles (0.00025%); highest among the groups gnomAD compares: East Asian, 0.0022%; no homozygotes.

Submissions (2):

Labcorp Genetics (formerly Invitae), Labcorp
Classification: Likely benign for Primary ciliary dyskinesia. Last evaluated: 2023-05-11. Review status: criteria provided, single submitter. Criteria: Invitae Variant Classification Sherloc (09022015). Collection method: clinical testing. Allele origin: germline.

Ambry Genetics
Classification: Uncertain significance for Primary ciliary dyskinesia. Last evaluated: 2016-11-25. Review status: criteria provided, single submitter. Criteria: Ambry Variant Classification Scheme 2023. Collection method: clinical testing. Allele origin: germline.
Comment: The p.V3986I variant (also known as c.11956G>A), located in coding exon 73 of the DNAH11 gene, results from a G to A substitution at nucleotide position 11956. The valine at codon 3986 is replaced by isoleucine, an amino acid with highly similar properties. This amino acid position is highly conserved in available vertebrate species. In addition, this alteration is predicted to be tolerated by in silico analysis. Since supporting evidence is limited at this time, the clinical significance of this alteration remains unclear.

NM_001277115.2(DNAH11):c.11956G>A (p.Val3986Ile)

Gene: DNAH11 (dynein axonemal heavy chain 11; plus strand). Cytogenetic location: 7p15.3.
Variant type: single nucleotide variant.
Coding change: c.11956G>A on transcript NM_001277115.2 (MANE Select); coding-DNA position 11956, G replaced by A.
Protein change: p.Val3986Ile; replaces valine 3986 with isoleucine.
Molecular consequence: missense variant.
Genome position (GRCh38, 1-based): chr7:21,868,980, G>A. VCF-style: chr7-21868980-G-A. GRCh37 (hg19) VCF-style: chr7-21908598-G-A.
Other names: c.11977G>A, p.Val3993Ile (NM_003777.3); short protein forms V3986I, V3993I.
Identifiers: ClinVar variation 1745766 (VCV001745766.5), dbSNP rs1431407809, ClinGen allele CA366962886.
Genomic context (GRCh38, chr7:21,868,980, plus strand): 5'-CAAGGTCAGGAGACGGTGGCAGAAGTGGCCCTGGAGAAAGCTTCCAAAGGAGGACACTGG[G>A]TCATCCTCCAAGTGAGTATTAAGTTTCAGGGAAGACACTGGGCATAAACACAGAGGAGGG-3'
Protein context (NP_001264044.1, residues 3976-3996): LEKASKGGHW[Val3986Ile]ILQNVHLVAK